The following is an entry in ClinVar:

NM_001369268.1(ACAN):c.6214A>G (p.Lys2072Glu)

Gene: ACAN (aggrecan; plus strand). Cytogenetic location: 15q26.1.
Variant type: single nucleotide variant.
Coding change: c.6214A>G on transcript NM_001369268.1 (MANE Select); coding-DNA position 6214, A replaced by G.
Protein change: p.Lys2072Glu; replaces lysine 2072 with glutamic acid.
Molecular consequence: missense variant.
Genome position (GRCh38, 1-based): chr15:88,858,799, A>G. VCF-style: chr15-88858799-A-G. GRCh37 (hg19) VCF-style: chr15-89402030-A-G.
Other names: c.6214A>G, p.Lys2072Glu (NM_001411096.1, NM_001411097.1, NM_013227.4 and 1 more transcripts); short protein forms K2072E.
Identifiers: ClinVar variation 2635214 (VCV002635214.2), dbSNP rs746649096, ClinGen allele CA7720363.

ClinVar aggregate classification (germline): Uncertain significance. Review status: criteria provided, multiple submitters, no conflicts (2 of 4 stars). 2 submissions from 2 submitters: Uncertain significance (2). Last evaluated 2026-04-22.

Conditions:
Monogenic short statue.
ACAN-related disorder. Also called: ACAN-related disorders; ACAN-related condition.

Allele frequency attached by ClinVar (database versions not stated): ExAC 0.00002; gnomAD exomes 0.00004; gnomAD 0.00005; TOPMed 0.00006.
gnomAD v4.1: 61 of 1,613,752 alleles (0.0038%); highest among the groups gnomAD compares: Non-Finnish European, 0.0052%; no homozygotes.

Submissions (2):

NHS Central & South Genomic Laboratory Hub
Classification: Uncertain significance for Monogenic short statue. Last evaluated: 2026-04-22. Review status: criteria provided, single submitter. Criteria: ACMG Guidelines, 2015. Collection method: clinical testing. Allele origin: germline. Affected: yes.

PreventionGenetics, part of Exact Sciences
Classification: Uncertain significance for ACAN-related condition. Last evaluated: 2023-08-25. Review status: criteria provided, single submitter. Criteria: ACMG Guidelines, 2015. Collection method: clinical testing. Allele origin: germline.
Comment: The ACAN c.6214A>G variant is predicted to result in the amino acid substitution p.Lys2072Glu. To our knowledge, this variant has not been reported in the literature. This variant is reported in 0.0047% of alleles in individuals of European (Non-Finnish) descent in gnomAD. At this time, the clinical significance of this variant is uncertain due to the absence of conclusive functional and genetic evidence.